The following is an entry in ClinVar:

NM_001267550.2(TTN):c.25002T>C (p.Tyr8334=)

Gene: TTN (titin; minus strand). Cytogenetic location: 2q31.2.
Variant type: single nucleotide variant.
Coding change: c.25002T>C on transcript NM_001267550.2 (MANE Select); coding-DNA position 25002, T replaced by C.
Protein change: p.Tyr8334=; no amino-acid change (tyrosine 8334 retained).
Molecular consequence: synonymous variant. On other transcripts: intron variant (3).
Genome position (GRCh38, 1-based): chr2:178,718,004, A>G on the plus strand (T>C on the coding strand, the complement: TTN is on the minus strand). VCF-style: chr2-178718004-A-G. GRCh37 (hg19) VCF-style: chr2-179582731-A-G.
Other names: c.24051T>C, p.Tyr8017= (NM_001256850.1); c.21270T>C, p.Tyr7090= (NM_133378.4); c.13282+20078T>C (NM_003319.4); c.13858+20078T>C (NM_133437.4); c.13657+20078T>C (NM_133432.3).
Identifiers: ClinVar variation 46746 (VCV000046746.17), dbSNP rs371334680, ClinGen allele CA139102.

ClinVar aggregate classification (germline): Likely benign. Review status: criteria provided, multiple submitters, no conflicts (2 of 4 stars). 4 submissions from 4 submitters: Likely benign (4). Last evaluated 2026-01-26.

Conditions:
Dilated cardiomyopathy 1G (CMD1G). Identifiers: Orphanet 154, MedGen C1858763, MONDO:0011400, OMIM 604145.
Autosomal recessive limb-girdle muscular dystrophy type 2J (LGMDR10). Also called: Limb-girdle muscular dystrophy, type 2J; MUSCULAR DYSTROPHY, LIMB-GIRDLE, AUTOSOMAL RECESSIVE 10. Identifiers: Orphanet 140922, MedGen C1837342, MONDO:0012127, OMIM 608807.

Allele frequency attached by ClinVar (database versions not stated): ExAC 0.00001; gnomAD exomes 0.00002 and 0.00013; gnomAD 0.00003; TOPMed 0.00003; ESP Exome Variant Server 0.00008.
gnomAD v4.1: 189 of 1,613,690 alleles (0.012%); highest among the groups gnomAD compares: Non-Finnish European, 0.016%; no homozygotes.

Submissions (4):

Labcorp Genetics (formerly Invitae), Labcorp
Classification: Likely benign for Dilated cardiomyopathy 1G; Autosomal recessive limb-girdle muscular dystrophy type 2J. Last evaluated: 2026-01-26. Review status: criteria provided, single submitter. Criteria: Invitae Variant Classification Sherloc (09022015). Collection method: clinical testing. Allele origin: germline.

ARUP Laboratories, Molecular Genetics and Genomics, ARUP Laboratories
Classification: Likely benign. Last evaluated: 2025-03-28. Review status: criteria provided, single submitter. Criteria: ARUP Molecular Germline Variant Investigation Process 2024. Collection method: clinical testing. Allele origin: germline.

GeneDx
Classification: Likely benign. Last evaluated: 2019-10-17. Review status: criteria provided, single submitter. Criteria: GeneDx Variant Classification Process June 2021. Collection method: clinical testing. Allele origin: germline. Affected: yes.

Laboratory for Molecular Medicine, Mass General Brigham Personalized Medicine
Classification: Likely benign. Last evaluated: 2011-09-28. Review status: criteria provided, single submitter. Criteria: LMM Criteria. Collection method: clinical testing. Allele origin: germline. Observed: 1 variant allele.
Comment: Tyr7090Tyr in exon 83 of TTN: This variant does not change an amino acid and doe s not affect the splice consensus sequence. This makes a disease causing role v ery unlikely.